The following is an entry in ClinVar:

ClinVar aggregate classification (germline): Likely benign. Review status: criteria provided, multiple submitters, no conflicts (2 of 4 stars). 3 submissions from 3 submitters: Likely benign (3). Last evaluated 2025-12-08.

Conditions:
Supravalvar aortic stenosis (SVAS). Also called: Supravalvar aortic stenosis, Eisenberg type. Identifiers: Orphanet 3193, MedGen C0003499, MONDO:0008504, OMIM 185500, HP:0004381.

Allele frequency attached by ClinVar (database versions not stated): gnomAD exomes 0.00006; ExAC 0.00007; ESP Exome Variant Server 0.00008; TOPMed 0.00009; gnomAD 0.00011 and 0.00012.
gnomAD v4.1: 278 of 1,610,180 alleles (0.017%); highest among the groups gnomAD compares: Non-Finnish European, 0.022%; no homozygotes.

Submissions (3):

Labcorp Genetics (formerly Invitae), Labcorp
Classification: Likely benign for Supravalvar aortic stenosis. Last evaluated: 2025-12-08. Review status: criteria provided, single submitter. Criteria: Invitae Variant Classification Sherloc (09022015). Collection method: clinical testing. Allele origin: germline.

Blueprint Genetics
Classification: Likely benign. Last evaluated: 2023-08-22. Review status: criteria provided, single submitter. Criteria: ACMG Guidelines, 2015. Collection method: clinical testing. Allele origin: germline.

GeneDx
Classification: Likely benign. Last evaluated: 2018-02-16. Review status: criteria provided, single submitter. Criteria: GeneDx Variant Classification (06012015). Collection method: clinical testing. Allele origin: germline. Affected: yes.
Comment: This variant is considered likely benign or benign based on one or more of the following criteria: it is a conservative change, it occurs at a poorly conserved position in the protein, it is predicted to be benign by multiple in silico algorithms, and/or has population frequency not consistent with disease.

NM_000501.4(ELN):c.196+18G>A

Gene: ELN (elastin; plus strand). Cytogenetic location: 7q11.23.
Variant type: single nucleotide variant.
Coding change: c.196+18G>A on transcript NM_000501.4 (MANE Select); 18 bases into the intron after coding-DNA position 196, G replaced by A.
Molecular consequence: intron variant.
Genome position (GRCh38, 1-based): chr7:74,037,757, G>A. VCF-style: chr7-74037757-G-A. GRCh37 (hg19) VCF-style: chr7-73452087-G-A.
Other names: c.196+18G>A (NM_001081754.3, NM_001081753.3, NM_001278939.2 and 5 more transcripts); c.166+18G>A (NM_001278914.2, NM_001278917.2, NM_001081752.3 and 1 more transcripts).
Identifiers: ClinVar variation 515589 (VCV000515589.9), dbSNP rs374473857, ClinGen allele CA4292359.